The following is an entry in ClinVar:

NM_003922.4(HERC1):c.923G>A (p.Arg308His)

Gene: HERC1 (HECT and RLD domain containing E3 ubiquitin protein ligase family member 1; minus strand). Cytogenetic location: 15q22.31.
Variant type: single nucleotide variant.
Coding change: c.923G>A on transcript NM_003922.4 (MANE Select); coding-DNA position 923, G replaced by A.
Protein change: p.Arg308His; replaces arginine 308 with histidine.
Molecular consequence: missense variant.
Genome position (GRCh38, 1-based): chr15:63,774,701, C>T on the plus strand (G>A on the coding strand, the complement: HERC1 is on the minus strand). VCF-style: chr15-63774701-C-T. GRCh37 (hg19) VCF-style: chr15-64066900-C-T.
Other names: short protein forms R308H.
Identifiers: ClinVar variation 985059 (VCV000985059.8), dbSNP rs781379594, ClinGen allele CA7606592.

ClinVar aggregate classification (germline): Uncertain significance. Review status: criteria provided, multiple submitters, no conflicts (2 of 4 stars). 2 submissions from 2 submitters: Uncertain significance (2). Last evaluated 2023-12-11.

Conditions:
Inborn genetic diseases. Identifiers: MedGen C0950123, MeSH D030342.

Allele frequency attached by ClinVar (database versions not stated): gnomAD 0.00002 and 0.00003; gnomAD exomes 0.00003 and 0.00005; TOPMed 0.00004; ExAC 0.00005.
gnomAD v4.1: 87 of 1,596,536 alleles (0.0054%); highest among the groups gnomAD compares: Middle Eastern, 0.033%; no homozygotes.

Submissions (2):

Labcorp Genetics (formerly Invitae), Labcorp
Classification: Uncertain significance. Last evaluated: 2023-12-11. Review status: criteria provided, single submitter. Criteria: Invitae Variant Classification Sherloc (09022015). Collection method: clinical testing. Allele origin: germline.
Comment: This sequence change replaces arginine, which is basic and polar, with histidine, which is basic and polar, at codon 308 of the HERC1 protein (p.Arg308His). This variant is present in population databases (rs781379594, gnomAD 0.006%). This variant has not been reported in the literature in individuals affected with HERC1-related conditions. ClinVar contains an entry for this variant (Variation ID: 985059). Advanced modeling of protein sequence and biophysical properties (such as structural, functional, and spatial information, amino acid conservation, physicochemical variation, residue mobility, and thermodynamic stability) performed at Invitae indicates that this missense variant is not expected to disrupt HERC1 protein function with a negative predictive value of 80%. In summary, the available evidence is currently insufficient to determine the role of this variant in disease. Therefore, it has been classified as a Variant of Uncertain Significance.

Ambry Genetics
Classification: Uncertain significance for Inborn genetic diseases. Last evaluated: 2017-12-19. Review status: criteria provided, single submitter. Criteria: Ambry exome assertion method (8-5-2015). Collection method: clinical testing. Allele origin: germline. Affected: yes. Observed: 1 variant allele.